The following is an entry in ClinVar:

ClinVar aggregate classification (germline): Uncertain significance. Review status: criteria provided, multiple submitters, no conflicts (2 of 4 stars). 3 submissions from 3 submitters: Uncertain significance (3). Last evaluated 2024-02-25.

Conditions:
Nephrotic syndrome, type 3 (NPHS3). Also called: NEPHROTIC SYNDROME, EARLY-ONSET, TYPE 3. Identifiers: Orphanet 656, MedGen C1853124, MONDO:0012546, OMIM 610725.

Allele frequency attached by ClinVar (database versions not stated): gnomAD exomes 0.00001.
gnomAD v4.1: 7 of 1,612,658 alleles (0.00043%); highest among the groups gnomAD compares: African/African-American, 0.0013%; no homozygotes.

Submissions (3):

Fulgent Genetics
Classification: Uncertain significance for Nephrotic syndrome, type 3. Last evaluated: 2024-02-25. Review status: criteria provided, single submitter. Criteria: ACMG Guidelines, 2015. Collection method: clinical testing. Allele origin: germline.

Mayo Clinic Laboratories, Mayo Clinic
Classification: Uncertain significance. Last evaluated: 2023-10-04. Review status: criteria provided, single submitter. Criteria: ACMG Guidelines, 2015. Collection method: clinical testing. Allele origin: germline. Observed: 1 variant allele.
Comment: PM1_supporting

Labcorp Genetics (formerly Invitae), Labcorp
Classification: Uncertain significance. Last evaluated: 2022-06-02. Review status: criteria provided, single submitter. Criteria: Invitae Variant Classification Sherloc (09022015). Collection method: clinical testing. Allele origin: germline.
Comment: This sequence change replaces aspartic acid, which is acidic and polar, with asparagine, which is neutral and polar, at codon 1445 of the PLCE1 protein (p.Asp1445Asn). This variant is not present in population databases (gnomAD no frequency). This variant has not been reported in the literature in individuals affected with PLCE1-related conditions. Algorithms developed to predict the effect of missense changes on protein structure and function are either unavailable or do not agree on the potential impact of this missense change (SIFT: "Tolerated"; PolyPhen-2: "Probably Damaging"; Align-GVGD: "Class C0"). In summary, the available evidence is currently insufficient to determine the role of this variant in disease. Therefore, it has been classified as a Variant of Uncertain Significance.

NM_016341.4(PLCE1):c.4333G>A (p.Asp1445Asn)

Gene: PLCE1 (phospholipase C epsilon 1; plus strand). Cytogenetic location: 10q23.33.
Variant type: single nucleotide variant.
Coding change: c.4333G>A on transcript NM_016341.4 (MANE Select); coding-DNA position 4333, G replaced by A.
Protein change: p.Asp1445Asn; replaces aspartic acid 1445 with asparagine.
Molecular consequence: missense variant.
Genome position (GRCh38, 1-based): chr10:94,268,980, G>A. VCF-style: chr10-94268980-G-A. GRCh37 (hg19) VCF-style: chr10-96028737-G-A.
Other names: p.Asp1445Asn; c.3409G>A, p.Asp1137Asn (NM_001165979.2); c.4285G>A, p.Asp1429Asn (NM_001288989.2); short protein forms D1429N, D1137N, D1445N.
Identifiers: ClinVar variation 2109134 (VCV002109134.6), dbSNP rs368429183, ClinGen allele CA377647612.